The following is an entry in ClinVar:

NM_003400.4(XPO1):c.553C>T (p.Gln185Ter)

Gene: XPO1 (exportin 1; minus strand). Cytogenetic location: 2p15.
Variant type: single nucleotide variant.
Coding change: c.553C>T on transcript NM_003400.4 (MANE Select); coding-DNA position 553, C replaced by T.
Protein change: p.Gln185Ter; replaces glutamine 185 with a stop codon.
Molecular consequence: nonsense.
Genome position (GRCh38, 1-based): chr2:61,499,750, G>A on the plus strand (C>T on the coding strand, the complement: XPO1 is on the minus strand). VCF-style: chr2-61499750-G-A. GRCh37 (hg19) VCF-style: chr2-61726885-G-A.
Other names: c.553C>T, p.Gln185Ter (NM_001410799.1); short protein forms Q185*.
Identifiers: ClinVar variation 4073405 (VCV004073405.1).
Genomic context (GRCh38, chr2:61,499,750, plus strand): 5'-TCTAAAACATAATTATTACTTGCCTGTCTTTTAAATGCTTAGATTTGACTTGGGTTATCT[G>A]TCCACTAGAGAAATCAAATACTTCTTCACTCAAGAGTTTAAGAATCACCATATTATTTTG-3'

ClinVar aggregate classification (germline): Pathogenic (1 of 4 stars; one submission).

Conditions:
XPO1-associated Neurodevelopmental Disorder.

Submission:

Genome Diagnostics Laboratory, University Medical Center Utrecht
Classification: Pathogenic for XPO1-associated Neurodevelopmental Disorder. Last evaluated: 2025-07-21. Review status: criteria provided, single submitter. Criteria: ACMG Guidelines, 2015. Collection method: research. Allele origin: germline. Affected: yes.
Comment: ACMG/AMP (Richards et al, 2015): PVS1, PS2, PM2